The following is an entry in ClinVar:

NM_006912.6(RIT1):c.598A>C (p.Lys200Gln)

Gene: RIT1 (Ras like without CAAX 1; minus strand). Cytogenetic location: 1q22.
Variant type: single nucleotide variant.
Coding change: c.598A>C on transcript NM_006912.6 (MANE Select); coding-DNA position 598, A replaced by C.
Protein change: p.Lys200Gln; replaces lysine 200 with glutamine.
Molecular consequence: missense variant.
Genome position (GRCh38, 1-based): chr1:155,900,450, T>G on the plus strand (A>C on the coding strand, the complement: RIT1 is on the minus strand). VCF-style: chr1-155900450-T-G. GRCh37 (hg19) VCF-style: chr1-155870241-T-G.
Other names: c.490A>C, p.Lys164Gln (NM_001256820.2); c.649A>C, p.Lys217Gln (NM_001256821.2); short protein forms K164Q, K200Q, K217Q.
Identifiers: ClinVar variation 2198762 (VCV002198762.4), dbSNP rs2102580861, ClinGen allele CA342800884.

ClinVar aggregate classification (germline): Uncertain significance (1 of 4 stars; one submission).

Conditions:
Noonan syndrome 8 (NS8). Identifiers: Orphanet 648, MedGen C3809233, MONDO:0014143, OMIM 615355.

Submission:

Labcorp Genetics (formerly Invitae), Labcorp
Classification: Uncertain significance for Noonan syndrome 8. Last evaluated: 2022-07-12. Review status: criteria provided, single submitter. Criteria: Invitae Variant Classification Sherloc (09022015). Collection method: clinical testing. Allele origin: germline.
Comment: In summary, the available evidence is currently insufficient to determine the role of this variant in disease. Therefore, it has been classified as a Variant of Uncertain Significance. Advanced modeling of protein sequence and biophysical properties (such as structural, functional, and spatial information, amino acid conservation, physicochemical variation, residue mobility, and thermodynamic stability) performed at Invitae indicates that this missense variant is not expected to disrupt RIT1 protein function. This variant has not been reported in the literature in individuals affected with RIT1-related conditions. This variant is not present in population databases (gnomAD no frequency). This sequence change replaces lysine, which is basic and polar, with glutamine, which is neutral and polar, at codon 200 of the RIT1 protein (p.Lys200Gln).